The following is an entry in ClinVar:

ClinVar aggregate classification (germline): Conflicting classifications of pathogenicity. Review status: criteria provided, conflicting classifications (1 of 4 stars). 12 submissions from 9 submitters: Uncertain significance (1); Benign (3); Likely benign (8). Last evaluated 2026-01-31.

Conditions:
Multiple endocrine neoplasia, type 2 (MEN2). Identifiers: Orphanet 653, MedGen C4048306, MONDO:0019003. Disease mechanism: gain of function.
Pheochromocytoma. Also called: MAX-Related Hereditary Paraganglioma-Pheochromocytoma Syndrome. Identifiers: Orphanet 29072, MedGen C0031511, MONDO:0008233, OMIM 171300, HP:0002666.
Hereditary cancer-predisposing syndrome. Also called: Hereditary Cancer Syndrome; Hereditary neoplastic syndrome; Tumor predisposition; Neoplastic Syndromes, Hereditary. Identifiers: Orphanet 140162, MedGen C0027672, MeSH D009386, MONDO:0015356.
Renal hypodysplasia/aplasia 1 (RHDA1). Also called: RENAL APLASIA; HEREDITARY RENAL APLASIA. Identifiers: Orphanet 411709, MedGen C1619700, MONDO:0024519, OMIM 191830.
Hirschsprung disease, susceptibility to, 1 (HSCR1). Also called: RET-Related Hirschsprung Disease. Identifiers: Orphanet 388, MedGen C3888239, MONDO:0007723, OMIM 142623.
Multiple endocrine neoplasia. Identifiers: Orphanet 276161, MedGen C0027662, MONDO:0017169.

Allele frequency attached by ClinVar (database versions not stated): ExAC 0.00013; ESP Exome Variant Server 0.00015; TOPMed 0.00037; 1000 Genomes Project 0.00100; 1000 Genomes Project 30x 0.00109.
gnomAD v4.1: 94 of 1,614,222 alleles (0.0058%); highest among the groups gnomAD compares: African/African-American, 0.1%; no homozygotes.

Submissions (12):

Labcorp Genetics (formerly Invitae), Labcorp
Classification: Benign for Multiple endocrine neoplasia, type 2. Last evaluated: 2026-01-31. Review status: criteria provided, single submitter. Criteria: Invitae Variant Classification Sherloc (09022015). Collection method: clinical testing. Allele origin: germline.

Women's Health and Genetics/Laboratory Corporation of America, LabCorp
Classification: Likely benign. Last evaluated: 2025-12-14. Review status: criteria provided, single submitter. Criteria: LabCorp Variant Classification Summary - May 2015. Collection method: clinical testing. Allele origin: germline.

Color Diagnostics, LLC DBA Color Health
Classification: Likely benign for Multiple endocrine neoplasia, type 2. Last evaluated: 2022-11-06. Review status: criteria provided, single submitter. Criteria: ACMG Guidelines, 2015. Collection method: clinical testing. Allele origin: germline.

Blueprint Genetics
Classification: Likely benign. Last evaluated: 2022-07-25. Review status: criteria provided, single submitter. Criteria: ACMG Guidelines, 2015. Collection method: clinical testing. Allele origin: germline.

Sema4
Classification: Likely benign for Hereditary cancer-predisposing syndrome. Last evaluated: 2022-01-20. Review status: criteria provided, single submitter. Criteria: Sema4 Curation Guidelines. Collection method: curation. Allele origin: germline.

GeneDx
Classification: Likely benign. Last evaluated: 2018-05-07. Review status: criteria provided, single submitter. Criteria: GeneDx Variant Classification (06012015). Collection method: clinical testing. Allele origin: germline. Affected: yes.
Comment: This variant is considered likely benign or benign based on one or more of the following criteria: it is a conservative change, it occurs at a poorly conserved position in the protein, it is predicted to be benign by multiple in silico algorithms, and/or has population frequency not consistent with disease.

Ambry Genetics
Classification: Likely benign for Hereditary cancer-predisposing syndrome. Last evaluated: 2018-02-02. Review status: criteria provided, single submitter. Criteria: Ambry Variant Classification Scheme 2023. Collection method: clinical testing. Allele origin: germline.

Illumina Laboratory Services, Illumina
Classification: Benign for Multiple endocrine neoplasia. Last evaluated: 2018-01-13. Review status: criteria provided, single submitter. Criteria: ICSL Variant Classification Criteria 13 December 2019. Collection method: clinical testing. Allele origin: germline.
Comment: This variant was observed in the ICSL laboratory as part of a predisposition screen in an ostensibly healthy population. It had not been previously curated by ICSL or reported in the Human Gene Mutation Database (HGMD: prior to June 1st, 2018), and was therefore a candidate for classification through an automated scoring system. Utilizing variant allele frequency, disease prevalence and penetrance estimates, and inheritance mode, an automated score was calculated to assess if this variant is too frequent to cause the disease. Based on the score and internal cut-off values, a variant classified as benign is not then subjected to further curation. The score for this variant resulted in a classification of benign for this disease.

Illumina Laboratory Services, Illumina
Classification: Likely benign for Hirschsprung disease, susceptibility to, 1. Last evaluated: 2018-01-13. Review status: criteria provided, single submitter. Criteria: ICSL Variant Classification Criteria 13 December 2019. Collection method: clinical testing. Allele origin: germline.
Comment: This variant was observed in the ICSL laboratory as part of a predisposition screen in an ostensibly healthy population. It had not been previously curated by ICSL or reported in the Human Gene Mutation Database (HGMD: prior to June 1st, 2018), and was therefore a candidate for classification through an automated scoring system. Utilizing variant allele frequency, disease prevalence and penetrance estimates, and inheritance mode, an automated score was calculated to assess if this variant is too frequent to cause the disease. Based on the score and internal cut-off values, a variant classified as likely benign is not then subjected to further curation. The score for this variant resulted in a classification of likely benign for this disease.

Illumina Laboratory Services, Illumina
Classification: Benign for Pheochromocytoma. Last evaluated: 2018-01-13. Review status: criteria provided, single submitter. Criteria: ICSL Variant Classification Criteria 13 December 2019. Collection method: clinical testing. Allele origin: germline.
Comment: the same text as in the submission from Illumina Laboratory Services, Illumina above.

Illumina Laboratory Services, Illumina
Classification: Uncertain significance for Renal hypodysplasia/aplasia 1. Last evaluated: 2018-01-13. Review status: criteria provided, single submitter. Criteria: ICSL Variant Classification Criteria 13 December 2019. Collection method: clinical testing. Allele origin: germline.

PreventionGenetics, part of Exact Sciences
Classification: Likely benign. Last evaluated: 2017-12-20. Review status: criteria provided, single submitter. Criteria: ACMG Guidelines, 2015. Collection method: clinical testing. Allele origin: germline.

NM_020975.6(RET):c.487C>A (p.Arg163=)

Gene: RET (ret proto-oncogene; plus strand). Cytogenetic location: 10q11.21.
Variant type: single nucleotide variant.
Coding change: c.487C>A on transcript NM_020975.6 (MANE Select); coding-DNA position 487, C replaced by A.
Protein change: p.Arg163=; no amino-acid change (arginine 163 retained).
Molecular consequence: synonymous variant. On other transcripts: intron variant (15).
Genome position (GRCh38, 1-based): chr10:43,102,491, C>A. VCF-style: chr10-43102491-C-A. GRCh37 (hg19) VCF-style: chr10-43597939-C-A.
Other names: c.487C>A, p.Arg163= (NM_000323.2, NM_001406743.1, NM_001406744.1 and 16 more transcripts); c.358C>A, p.Arg120= (NM_001406761.1, NM_001406762.1, NM_001406764.1 and 4 more transcripts); c.337+1769C>A (NM_001406770.1, NM_001406766.1, NM_001406767.1 and 8 more transcripts); c.74-6540C>A (NM_001406784.1); c.74-9608C>A (NM_001406794.1, NM_001406792.1, NM_001406793.1).
Identifiers: ClinVar variation 477377 (VCV000477377.24), dbSNP rs371153966, ClinGen allele CA043827.